The following is an entry in ClinVar:

NM_018263.6(ASXL2):c.3650G>A (p.Arg1217Lys)

Gene: ASXL2 (ASXL transcriptional regulator 2; minus strand). Cytogenetic location: 2p23.3.
Variant type: single nucleotide variant.
Coding change: c.3650G>A on transcript NM_018263.6 (MANE Select); coding-DNA position 3650, G replaced by A.
Protein change: p.Arg1217Lys; replaces arginine 1217 with lysine.
Molecular consequence: missense variant.
Genome position (GRCh38, 1-based): chr2:25,742,687, C>T on the plus strand (G>A on the coding strand, the complement: ASXL2 is on the minus strand). VCF-style: chr2-25742687-C-T. GRCh37 (hg19) VCF-style: chr2-25965556-C-T.
Other names: c.3476G>A, p.Arg1159Lys (NM_001369346.1); c.2870G>A, p.Arg957Lys (NM_001369347.1); short protein forms R957K, R1159K, R1217K.
Identifiers: ClinVar variation 2058632 (VCV002058632.4), dbSNP rs772709414, ClinGen allele CA346077052.
Genomic context (GRCh38, chr2:25,742,687, plus strand): 5'-AATGGTATCTCAGCCTTCACATTCTTGCTAGCTAAGCAATCACTGGTAGATAGAGTTTCC[C>T]TGCTGTGAGGTCCTGAACTTGTGTCACCCTTGCCAGCACTCTGGGAAACCTGGGGCTCCT-3'
Protein context (NP_060733.4, residues 1207-1227): KGDTSSGPHS[Arg1217Lys]ETLSTSDCLA

ClinVar aggregate classification (germline): Uncertain significance (1 of 4 stars; one submission).

Submission:

Labcorp Genetics (formerly Invitae), Labcorp
Classification: Uncertain significance. Last evaluated: 2025-10-13. Review status: criteria provided, single submitter. Criteria: Invitae Variant Classification Sherloc (09022015). Collection method: clinical testing. Allele origin: germline.
Comment: This sequence change replaces arginine, which is basic and polar, with lysine, which is basic and polar, at codon 1217 of the ASXL2 protein (p.Arg1217Lys). This variant is not present in population databases (gnomAD no frequency). This variant has not been reported in the literature in individuals affected with ASXL2-related conditions. ClinVar contains an entry for this variant (Variation ID: 2058632). Invitae Evidence Modeling of protein sequence and biophysical properties (such as structural, functional, and spatial information, amino acid conservation, physicochemical variation, residue mobility, and thermodynamic stability) indicates that this missense variant is not expected to disrupt ASXL2 protein function with a negative predictive value of 80%. In summary, the available evidence is currently insufficient to determine the role of this variant in disease. Therefore, it has been classified as a Variant of Uncertain Significance.